The following is an entry in ClinVar:

NM_194454.3(KRIT1):c.376A>T (p.Thr126Ser)

Gene: KRIT1 (KRIT1 ankyrin repeat containing; minus strand). Cytogenetic location: 7q21.2.
Variant type: single nucleotide variant.
Coding change: c.376A>T on transcript NM_194454.3 (MANE Select); coding-DNA position 376, A replaced by T.
Protein change: p.Thr126Ser; replaces threonine 126 with serine.
Molecular consequence: missense variant. On other transcripts: 5 prime UTR variant (1).
Genome position (GRCh38, 1-based): chr7:92,236,522, T>A on the plus strand (A>T on the coding strand, the complement: KRIT1 is on the minus strand). VCF-style: chr7-92236522-T-A. GRCh37 (hg19) VCF-style: chr7-91865836-T-A.
Other names: c.376A>T, p.Thr126Ser (NM_001013406.2, NM_001350669.1, NM_001350670.1 and 29 more transcripts); c.-208A>T (NM_001350671.1); short protein forms T126S.
Identifiers: ClinVar variation 3289307 (VCV003289307.1).

ClinVar aggregate classification (germline): Uncertain significance (1 of 4 stars; one submission).

Conditions:
Inborn genetic diseases. Identifiers: MedGen C0950123, MeSH D030342.

Submission:

Ambry Genetics
Classification: Uncertain significance for Inborn genetic diseases. Last evaluated: 2024-05-27. Review status: criteria provided, single submitter. Criteria: Ambry Variant Classification Scheme 2023. Collection method: clinical testing. Allele origin: germline.
Comment: The p.T126S variant (also known as c.376A>T), located in coding exon 4 of the KRIT1 gene, results from an A to T substitution at nucleotide position 376. The threonine at codon 126 is replaced by serine, an amino acid with similar properties. This amino acid position is conserved. In addition, this alteration is predicted to be tolerated by in silico analysis. Based on the available evidence, the clinical significance of this variant remains unclear.